The following is an entry in ClinVar:

NM_001384140.1(PCDH15):c.1849C>T (p.Pro617Ser)

Gene: PCDH15 (protocadherin related 15; minus strand). Cytogenetic location: 10q21.1.
Variant type: single nucleotide variant.
Coding change: c.1849C>T on transcript NM_001384140.1 (MANE Select); coding-DNA position 1849, C replaced by T.
Protein change: p.Pro617Ser; replaces proline 617 with serine.
Molecular consequence: missense variant. On other transcripts: intron variant (1).
Genome position (GRCh38, 1-based): chr10:54,132,943, G>A on the plus strand (C>T on the coding strand, the complement: PCDH15 is on the minus strand). VCF-style: chr10-54132943-G-A. GRCh37 (hg19) VCF-style: chr10-55892703-G-A.
Other names: c.1864C>T, p.Pro622Ser (NM_001142763.2, NM_001142771.2); c.1849C>T, p.Pro617Ser (NM_001142764.2, NM_001142766.2, NM_001142770.3 and 5 more transcripts); c.1738C>T, p.Pro580Ser (NM_001142767.2); c.1783C>T, p.Pro595Ser (NM_001142768.2, NM_001142773.2, NM_001354404.2); c.1885C>T, p.Pro629Ser (NM_001142769.4); c.1870C>T, p.Pro624Ser (NM_001354411.2); c.1784+20157C>T (NM_001142765.2); short protein forms P622S, P595S, P624S, P580S, P629S, P617S.
Identifiers: ClinVar variation 1041683 (VCV001041683.8), dbSNP rs1291833524, ClinGen allele CA376515062.

ClinVar aggregate classification (germline): Uncertain significance (1 of 4 stars; one submission).

Allele frequency attached by ClinVar (database versions not stated): TOPMed 0.00001.

Submission:

Labcorp Genetics (formerly Invitae), Labcorp
Classification: Uncertain significance. Last evaluated: 2024-02-24. Review status: criteria provided, single submitter. Criteria: Invitae Variant Classification Sherloc (09022015). Collection method: clinical testing. Allele origin: germline.
Comment: This sequence change replaces proline, which is neutral and non-polar, with serine, which is neutral and polar, at codon 617 of the PCDH15 protein (p.Pro617Ser). This variant is not present in population databases (gnomAD no frequency). This variant has not been reported in the literature in individuals affected with PCDH15-related conditions. ClinVar contains an entry for this variant (Variation ID: 1041683). Advanced modeling of protein sequence and biophysical properties (such as structural, functional, and spatial information, amino acid conservation, physicochemical variation, residue mobility, and thermodynamic stability) performed at Invitae indicates that this missense variant is not expected to disrupt PCDH15 protein function with a negative predictive value of 80%. In summary, the available evidence is currently insufficient to determine the role of this variant in disease. Therefore, it has been classified as a Variant of Uncertain Significance.